The following is an entry in ClinVar:

ClinVar aggregate classification (germline): Likely pathogenic (1 of 4 stars; one submission).

Submission:

CeGaT Center for Human Genetics Tuebingen
Classification: Likely pathogenic. Last evaluated: 2026-01-01. Review status: criteria provided, single submitter. Criteria: CeGaT Center For Human Genetics Tuebingen Variant Classification Criteria Version 2. Collection method: clinical testing. Allele origin: germline. Affected: yes. Observed: 1 variant allele.
Comment: RREB1: PVS1:Strong, PM2

NM_001003700.2(RREB1):c.3974-2087_3974-2084del

Gene: RREB1 (ras responsive element binding protein 1; plus strand). Cytogenetic location: 6p24.3.
Variant type: Microsatellite.
Coding change: c.3974-2087_3974-2084del on transcript NM_001003700.2; 2087 bases into the intron before coding-DNA position 3974 through 2084 bases into the intron before coding-DNA position 3974, 4 bases deleted (ACAG; older notation c.3974-2087_3974-2084delACAG).
Molecular consequence: intron variant.
Genome position (GRCh38, 1-based): chr6:7,246,424-7,246,427, ACAG deleted; deleting any 4 consecutive bases within chr6:7,246,420-7,246,427 gives the same sequence; the c. name uses the placement nearest the transcript's 3' end. VCF-style (leftmost placement, unchanged base first): chr6-7246419-CACAG-C. GRCh37 (hg19) VCF-style: chr6-7246652-CACAG-C.
Identifiers: ClinVar variation 4822029 (VCV004822029.4).